The following is an entry in ClinVar:

ClinVar aggregate classification (germline): Pathogenic (1 of 4 stars; one submission).

Conditions:
Parkinsonian-pyramidal syndrome. Also called: PALLIDOPYRAMIDAL SYNDROME; PARKINSON DISEASE 15, AUTOSOMAL RECESSIVE; PARKINSON DISEASE 15, AUTOSOMAL RECESSIVE EARLY-ONSET. Identifiers: Orphanet 171695, MedGen C1850100, MONDO:0009830, OMIM 260300.

Submission:

Labcorp Genetics (formerly Invitae), Labcorp
Classification: Pathogenic for Parkinsonian-pyramidal syndrome. Last evaluated: 2023-09-19. Review status: criteria provided, single submitter. Criteria: Invitae Variant Classification Sherloc (09022015). Collection method: clinical testing. Allele origin: germline.
Comment: For these reasons, this variant has been classified as Pathogenic. This variant disrupts a region of the FBXO7 protein in which other variant(s) (p.Thr22Met) have been determined to be pathogenic (PMID: 19038853, 21347293, 23933751, 26310625). This suggests that this is a clinically significant region of the protein, and that variants that disrupt it are likely to be disease-causing. This variant has not been reported in the literature in individuals affected with FBXO7-related conditions. This variant is not present in population databases (gnomAD no frequency). This sequence change affects the initiator methionine of the FBXO7 mRNA. The next in-frame methionine is located at codon 115.

Literature cited by the submitters: PubMed 19038853; PubMed 21347293; PubMed 23933751; PubMed 26310625.

NM_012179.4(FBXO7):c.2T>A (p.Met1Lys)

Gene: FBXO7 (F-box protein 7; plus strand). Cytogenetic location: 22q12.3.
Variant type: single nucleotide variant.
Coding change: c.2T>A on transcript NM_012179.4 (MANE Select); coding-DNA position 2, T replaced by A.
Protein change: p.Met1Lys; changes the start codon (methionine 1).
Molecular consequence: missense variant, initiator codon variant.
Genome position (GRCh38, 1-based): chr22:32,475,004, T>A. VCF-style: chr22-32475004-T-A. GRCh37 (hg19) VCF-style: chr22-32870991-T-A.
Other names: short protein forms M1K.
Identifiers: ClinVar variation 2960687 (VCV002960687.3), dbSNP rs945794813, ClinGen allele CA411329794.